The following is an entry in ClinVar:

NM_024408.4(NOTCH2):c.6127G>A (p.Asp2043Asn)

Gene: NOTCH2 (notch receptor 2; minus strand). Cytogenetic location: 1p12.
Variant type: single nucleotide variant.
Coding change: c.6127G>A on transcript NM_024408.4 (MANE Select); coding-DNA position 6127, G replaced by A.
Protein change: p.Asp2043Asn; replaces aspartic acid 2043 with asparagine.
Molecular consequence: missense variant.
Genome position (GRCh38, 1-based): chr1:119,916,595, C>T on the plus strand (G>A on the coding strand, the complement: NOTCH2 is on the minus strand). VCF-style: chr1-119916595-C-T. GRCh37 (hg19) VCF-style: chr1-120459218-C-T.
Other names: short protein forms D2043N.
Identifiers: ClinVar variation 2411592 (VCV002411592.3), dbSNP rs2101145023, ClinGen allele CA341880765.

ClinVar aggregate classification (germline): Uncertain significance. Review status: criteria provided, multiple submitters, no conflicts (2 of 4 stars). 2 submissions from 2 submitters: Uncertain significance (2). Last evaluated 2025-06-01.

Conditions:
Inborn genetic diseases. Identifiers: MedGen C0950123, MeSH D030342.

Allele frequency attached by ClinVar (database versions not stated): gnomAD exomes below 0.00001.
gnomAD v4.1: 1 of 1,614,150 alleles (0.000062%); highest among the groups gnomAD compares: Admixed American, 0.0017%; no homozygotes.

Submissions (2):

GeneDx
Classification: Uncertain significance. Last evaluated: 2025-06-01. Review status: criteria provided, single submitter. Criteria: GeneDx Variant Classification Process June 2021. Collection method: clinical testing. Allele origin: germline. Affected: yes.
Comment: Not observed at significant frequency in large population cohorts (gnomAD); In silico analysis supports that this missense variant has a deleterious effect on protein structure/function; Has not been previously published as pathogenic or benign to our knowledge

Ambry Genetics
Classification: Uncertain significance for Inborn genetic diseases. Last evaluated: 2021-07-06. Review status: criteria provided, single submitter. Criteria: Ambry Variant Classification Scheme 2023. Collection method: clinical testing. Allele origin: germline.